The following is an entry in ClinVar:

ClinVar aggregate classification (germline): Uncertain significance. Review status: criteria provided, multiple submitters, no conflicts (2 of 4 stars). 2 submissions from 2 submitters: Uncertain significance (2). Last evaluated 2025-06-12.

Allele frequency attached by ClinVar (database versions not stated): TOPMed below 0.00001.

Submissions (2):

Labcorp Genetics (formerly Invitae), Labcorp
Classification: Uncertain significance. Last evaluated: 2025-06-12. Review status: criteria provided, single submitter. Criteria: Invitae Variant Classification Sherloc (09022015). Collection method: clinical testing. Allele origin: germline.
Comment: This sequence change replaces glutamic acid, which is acidic and polar, with aspartic acid, which is acidic and polar, at codon 385 of the COL11A1 protein (p.Glu385Asp). This variant is not present in population databases (gnomAD no frequency). This variant has not been reported in the literature in individuals affected with COL11A1-related conditions. ClinVar contains an entry for this variant (Variation ID: 392239). Invitae Evidence Modeling of protein sequence and biophysical properties (such as structural, functional, and spatial information, amino acid conservation, physicochemical variation, residue mobility, and thermodynamic stability) indicates that this missense variant is not expected to disrupt COL11A1 protein function with a negative predictive value of 95%. In summary, the available evidence is currently insufficient to determine the role of this variant in disease. Therefore, it has been classified as a Variant of Uncertain Significance.

GeneDx
Classification: Uncertain significance. Last evaluated: 2016-12-30. Review status: criteria provided, single submitter. Criteria: GeneDx Variant Classification (06012015). Collection method: clinical testing. Allele origin: germline. Affected: yes.
Comment: A variant of uncertain significance has been identified in the COL11A1 gene. The E385D variant has not been published as a pathogenic variant, nor has it been reported as a benign variant to our knowledge. This variant was not observed in approximately 6,500 individuals of European and African American ancestry in the NHLBI Exome Sequencing Project, indicating it is not a common benign variant in these populations. However, E385D is a conservative amino acid substitution, which is not likely to impact secondary protein structure as these residues share similar properties. This substitution occurs at a position where amino acids with similar properties to Glutamic acid are tolerated across species, and Aspartic acid is the wild-type residue at this position in multiple species. Finally, in silico analysis predicts this variant likely does not alter the protein structure/function.Therefore, based on the currently available information, it is unclear whether this variant is pathogenic or rare benign.

NM_001854.4(COL11A1):c.1155A>C (p.Glu385Asp)

Gene: COL11A1 (collagen type XI alpha 1 chain; minus strand). Cytogenetic location: 1p21.1.
Variant type: single nucleotide variant.
Coding change: c.1155A>C on transcript NM_001854.4 (MANE Select); coding-DNA position 1155, A replaced by C.
Protein change: p.Glu385Asp; replaces glutamic acid 385 with aspartic acid.
Molecular consequence: missense variant. On other transcripts: non-coding transcript variant (1), intron variant (1).
Genome position (GRCh38, 1-based): chr1:103,022,832, T>G on the plus strand (A>C on the coding strand, the complement: COL11A1 is on the minus strand). VCF-style: chr1-103022832-T-G. GRCh37 (hg19) VCF-style: chr1-103488388-T-G.
Other names: c.1038A>C, p.Glu346Asp (NM_001190709.2); c.1191A>C, p.Glu397Asp (NM_080629.3); c.898-1063A>C (NM_080630.4); short protein forms E385D, E397D, E346D.
Identifiers: ClinVar variation 392239 (VCV000392239.5), dbSNP rs1057524404, ClinGen allele CA16603382.
Genomic context (GRCh38, chr1:103,022,832, plus strand): 5'-TACACCTGGACCAAATTCTTCATTAGGGGGGCTTGTTGGTTTATCTTCATATTCTTTATA[T>G]TCATAAAAATCATATTCGCCTAAATCTCCATCTACCAGAAGATCAGAATCCCTGCCGTCT-3'
Protein context (NP_001845.3, residues 375-395): DGDLGEYDFY[Glu385Asp]YKEYEDKPTS